The following is an entry in ClinVar:

ClinVar aggregate classification (germline): Conflicting classifications of pathogenicity. Review status: criteria provided, conflicting classifications (1 of 4 stars). 7 submissions from 7 submitters: Uncertain significance (5); Likely benign (2). Last evaluated 2026-01-26.

Conditions:
Congenital myasthenic syndrome 10. Also called: Myasthenia, limb-girdle, familial. Identifiers: Orphanet 590, MedGen C1850792, MONDO:0009690, OMIM 254300.
Fetal akinesia deformation sequence 1 (FADS1). Also called: Pena-Shokeir syndrome type I; Fetal akinesia sequence. Identifiers: Orphanet 994, MedGen C1276035, MONDO:0100101, OMIM 208150, HP:0001989.

Allele frequency attached by ClinVar (database versions not stated): ESP Exome Variant Server 0.00016; ExAC 0.00020; gnomAD exomes 0.00014; TOPMed 0.00050; 1000 Genomes Project 0.00060; gnomAD 0.00047 and 0.00046; 1000 Genomes Project 30x 0.00062.

Submissions (7):

Labcorp Genetics (formerly Invitae), Labcorp
Classification: Likely benign for Congenital myasthenic syndrome 10; Fetal akinesia deformation sequence 1. Last evaluated: 2026-01-26. Review status: criteria provided, single submitter. Criteria: Invitae Variant Classification Sherloc (09022015). Collection method: clinical testing. Allele origin: germline.

GeneDx
Classification: Uncertain significance. Last evaluated: 2025-10-27. Review status: criteria provided, single submitter. Criteria: GeneDx Variant Classification Process June 2021. Collection method: clinical testing. Allele origin: germline.
Comment: In silico analysis supports that this missense variant has a deleterious effect on protein structure/function; Has not been previously published as pathogenic or benign to our knowledge; This variant is associated with the following publications: (PMID: 20603078, 20012313, 26198629, 22661499)

Women's Health and Genetics/Laboratory Corporation of America, LabCorp
Classification: Uncertain significance. Last evaluated: 2025-06-16. Review status: criteria provided, single submitter. Criteria: LabCorp Variant Classification Summary - May 2015. Collection method: clinical testing. Allele origin: germline.
Comment: Variant summary: DOK7 c.296C>T (p.Ala99Val) results in a non-conservative amino acid change in the encoded protein sequence. Algorithms developed to predict the effect of missense changes on protein structure and function are either unavailable or do not agree on the potential impact of this missense change. The variant allele was found at a frequency of 0.00014 in 234200 control chromosomes, predominantly at a frequency of 0.0014 within the African or African-American subpopulation in the gnomAD database. c.296C>T has been observed in the literature without strong evidence for or against pathogenicity (Cossins_2012). This report, however, does not provide unequivocal conclusions about association of the variant with Congenital Myasthenic Syndrome. To our knowledge, no experimental evidence demonstrating an impact on protein function has been reported. The following publication has been ascertained in the context of this evaluation (PMID: 22661499). ClinVar contains an entry for this variant (Variation ID: 262871). Based on the evidence outlined above, the variant was classified as VUS-possibly benign.

Mayo Clinic Laboratories, Mayo Clinic
Classification: Uncertain significance. Last evaluated: 2019-07-15. Review status: criteria provided, single submitter. Criteria: ACMG Guidelines, 2015. Collection method: clinical testing. Allele origin: germline. Observed: 1 variant allele.

Revvity Omics, Revvity
Classification: Uncertain significance. Last evaluated: 2019-03-01. Review status: criteria provided, single submitter. Criteria: ACMG Guidelines, 2015. Collection method: clinical testing. Allele origin: germline.

Baylor Genetics
Classification: Uncertain significance for Fetal akinesia deformation sequence 1. Last evaluated: 2018-01-01. Review status: criteria provided, single submitter. Criteria: ACMG Guidelines, 2015. Collection method: clinical testing. Allele origin: paternal. Affected: yes.
Comment: This variant was determined to be of uncertain significance according to ACMG Guidelines, 2015 [PMID:25741868].

PreventionGenetics, part of Exact Sciences
Classification: Likely benign. Review status: criteria provided, single submitter. Criteria: ACMG Guidelines, 2015. Collection method: clinical testing. Allele origin: germline.

Literature cited by the submitters: PubMed 22661499 (cited by Women's Health and Genetics/Laboratory Corporation of America, LabCorp).

NM_173660.5(DOK7):c.296C>T (p.Ala99Val)

Gene: DOK7 (docking protein 7; plus strand). Cytogenetic location: 4p16.3.
Variant type: single nucleotide variant.
Coding change: c.296C>T on transcript NM_173660.5 (MANE Select); coding-DNA position 296, C replaced by T.
Protein change: p.Ala99Val; replaces alanine 99 with valine.
Molecular consequence: missense variant. On other transcripts: intron variant (1).
Genome position (GRCh38, 1-based): chr4:3,473,601, C>T. VCF-style: chr4-3473601-C-T. GRCh37 (hg19) VCF-style: chr4-3475328-C-T.
Other names: c.296C>T, p.Ala99Val (NM_001164673.2, NM_001301071.2); c.100+10050C>T (NM_001363811.2); short protein forms A99V.
Identifiers: ClinVar variation 262871 (VCV000262871.19), dbSNP rs138010842, ClinGen allele CA2828922.